The following is an entry in ClinVar:

ClinVar aggregate classification (germline): Uncertain significance. Review status: criteria provided, multiple submitters, no conflicts (2 of 4 stars). 5 submissions from 5 submitters: Uncertain significance (5). Last evaluated 2024-07-08.

Conditions:
Hereditary cancer-predisposing syndrome. Also called: Neoplastic Syndromes, Hereditary; Hereditary neoplastic syndrome; Tumor predisposition; Hereditary Cancer Syndrome. Identifiers: Orphanet 140162, MedGen C0027672, MeSH D009386, MONDO:0015356.
Ataxia-telangiectasia syndrome (AT). Also called: Ataxia-telangiectasia, complementation group D; AT, COMPLEMENTATION GROUP C; Ataxia telangiectasia (A-T); Cerebello-oculocutaneous telangiectasia; Immunodeficiency with ataxia telangiectasia; ATAXIA-TELANGIECTASIA, COMPLEMENTATION GROUP A. Identifiers: Orphanet 100, MedGen C0004135, MONDO:0008840, OMIM 208900.

Allele frequency attached by ClinVar (database versions not stated): gnomAD exomes below 0.00001.
gnomAD v4.1: 1 of 1,613,124 alleles (0.000062%); highest among the groups gnomAD compares: Non-Finnish European, 0.000085%; no homozygotes.

Submissions (5):

Labcorp Genetics (formerly Invitae), Labcorp
Classification: Uncertain significance for Ataxia-telangiectasia syndrome. Last evaluated: 2024-07-08. Review status: criteria provided, single submitter. Criteria: Invitae Variant Classification Sherloc (09022015). Collection method: clinical testing. Allele origin: germline.
Comment: This sequence change replaces alanine, which is neutral and non-polar, with valine, which is neutral and non-polar, at codon 1391 of the ATM protein (p.Ala1391Val). This variant is not present in population databases (gnomAD no frequency). This variant has not been reported in the literature in individuals affected with ATM-related conditions. ClinVar contains an entry for this variant (Variation ID: 664516). An algorithm developed to predict the effect of missense changes on protein structure and function (PolyPhen-2) suggests that this variant is likely to be tolerated. In summary, the available evidence is currently insufficient to determine the role of this variant in disease. Therefore, it has been classified as a Variant of Uncertain Significance.

Ambry Genetics
Classification: Uncertain significance for Hereditary cancer-predisposing syndrome. Last evaluated: 2024-05-07. Review status: criteria provided, single submitter. Criteria: Ambry Variant Classification Scheme 2023. Collection method: clinical testing. Allele origin: germline.
Comment: The p.A1391V variant (also known as c.4172C>T), located in coding exon 27 of the ATM gene, results from a C to T substitution at nucleotide position 4172. The alanine at codon 1391 is replaced by valine, an amino acid with similar properties. This amino acid position is not well conserved in available vertebrate species. In addition, this alteration is predicted to be tolerated by in silico analysis. Based on the available evidence, the clinical significance of this variant remains unclear.

Color Diagnostics, LLC DBA Color Health
Classification: Uncertain significance for Hereditary cancer-predisposing syndrome. Last evaluated: 2023-02-15. Review status: criteria provided, single submitter. Criteria: ACMG Guidelines, 2015. Collection method: clinical testing. Allele origin: germline.
Comment: This missense variant replaces alanine with valine at codon 1391 of the ATM protein. Computational prediction suggests that this variant may not impact protein structure and function (internally defined REVEL score threshold <= 0.5, PMID: 27666373). To our knowledge, functional studies have not been reported for this variant. This variant has not been reported in individuals affected with ATM-related disorders in the literature. This variant has not been identified in the general population by the Genome Aggregation Database (gnomAD). The available evidence is insufficient to determine the role of this variant in disease conclusively. Therefore, this variant is classified as a Variant of Uncertain Significance.

Sema4
Classification: Uncertain significance for Hereditary cancer-predisposing syndrome. Last evaluated: 2021-04-03. Review status: criteria provided, single submitter. Criteria: Sema4 Curation Guidelines. Collection method: curation. Allele origin: germline.
Comment: The ATM c.4172C>T (p.A1391V) variant has not been reported in the literature to our knowledge. It was not observed in the large and broad cohorts of the Genome Aggregation Database. The variant has been reported in ClinVar (Variation ID 664516). In silico tools suggest the impact of the variant on protein function is benign, though these predictions have not been confirmed by functional studies. The evidence is insufficient to meet ACMG/AMP criteria for classifying the variant as benign or pathogenic. Thus, the clinical significance of this variant is currently uncertain.

GeneDx
Classification: Uncertain significance. Last evaluated: 2019-08-05. Review status: criteria provided, single submitter. Criteria: GeneDx Variant Classification Process June 2021. Collection method: clinical testing. Allele origin: germline. Affected: yes.
Comment: Not observed in large population cohorts (Lek 2016); In silico analysis, which includes protein predictors and evolutionary conservation, supports that this variant does not alter protein structure/function; Has not been previously published as pathogenic or benign to our knowledge

NM_000051.4(ATM):c.4172C>T (p.Ala1391Val)

Gene: ATM (ATM serine/threonine kinase; plus strand). Cytogenetic location: 11q22.3.
Variant type: single nucleotide variant.
Coding change: c.4172C>T on transcript NM_000051.4 (MANE Select); coding-DNA position 4172, C replaced by T.
Protein change: p.Ala1391Val; replaces alanine 1391 with valine.
Molecular consequence: missense variant.
Genome position (GRCh38, 1-based): chr11:108,289,039, C>T. VCF-style: chr11-108289039-C-T. GRCh37 (hg19) VCF-style: chr11-108159766-C-T.
Other names: c.4172C>T, p.Ala1391Val (NM_001351834.2); short protein forms A1391V.
Identifiers: ClinVar variation 664516 (VCV000664516.11), dbSNP rs1591660560, ClinGen allele CA382530173.